The following is an entry in ClinVar:

NM_016169.4(SUFU):c.995A>G (p.Gln332Arg)

Gene: SUFU (SUFU negative regulator of hedgehog signaling; plus strand). Cytogenetic location: 10q24.32.
Variant type: single nucleotide variant.
Coding change: c.995A>G on transcript NM_016169.4 (MANE Select); coding-DNA position 995, A replaced by G.
Protein change: p.Gln332Arg; replaces glutamine 332 with arginine.
Molecular consequence: missense variant.
Genome position (GRCh38, 1-based): chr10:102,599,517, A>G. VCF-style: chr10-102599517-A-G. GRCh37 (hg19) VCF-style: chr10-104359274-A-G.
Other names: c.995A>G, p.Gln332Arg (NM_001178133.2); short protein forms Q332R.
Identifiers: ClinVar variation 3758338 (VCV003758338.2).

ClinVar aggregate classification (germline): Uncertain significance (1 of 4 stars; one submission).

Conditions:
Gorlin syndrome. Also called: Nevoid Basal Cell Carcinoma Syndrome; Basal cell nevus syndrome. Identifiers: Orphanet 377, MedGen C0004779, MONDO:0007187.
Medulloblastoma (MDB). Also called: Medulloblastoma, somatic; MEDULLOBLASTOMA PREDISPOSITION SYNDROME. Identifiers: Orphanet 616, MedGen C0025149, MeSH D008527, MONDO:0007959, OMIM 155255, HP:0002885.

Submission:

Labcorp Genetics (formerly Invitae), Labcorp
Classification: Uncertain significance for Gorlin syndrome; Medulloblastoma. Last evaluated: 2024-11-20. Review status: criteria provided, single submitter. Criteria: Invitae Variant Classification Sherloc (09022015). Collection method: clinical testing. Allele origin: germline.
Comment: This sequence change replaces glutamine, which is neutral and polar, with arginine, which is basic and polar, at codon 332 of the SUFU protein (p.Gln332Arg). This variant is not present in population databases (gnomAD no frequency). This variant has not been reported in the literature in individuals affected with SUFU-related conditions. Invitae Evidence Modeling of protein sequence and biophysical properties (such as structural, functional, and spatial information, amino acid conservation, physicochemical variation, residue mobility, and thermodynamic stability) indicates that this missense variant is not expected to disrupt SUFU protein function with a negative predictive value of 80%. In summary, the available evidence is currently insufficient to determine the role of this variant in disease. Therefore, it has been classified as a Variant of Uncertain Significance.